The following is an entry in ClinVar:

NM_007294.4(BRCA1):c.535T>C (p.Tyr179His)

Gene: BRCA1 (BRCA1 DNA repair associated; minus strand). Cytogenetic location: 17q21.31.
Variant type: single nucleotide variant.
Coding change: c.535T>C on transcript NM_007294.4 (MANE Select); coding-DNA position 535, T replaced by C.
Protein change: p.Tyr179His; replaces tyrosine 179 with histidine.
Molecular consequence: missense variant. On other transcripts: non-coding transcript variant (1).
Genome position (GRCh38, 1-based): chr17:43,099,787, A>G on the plus strand (T>C on the coding strand, the complement: BRCA1 is on the minus strand). VCF-style: chr17-43099787-A-G. GRCh37 (hg19) VCF-style: chr17-41251804-A-G.
Other names: c.394T>C, p.Tyr132His (NM_001407944.1, NM_001407945.1, NM_001408410.1 and 61 more transcripts); c.325T>C, p.Tyr109His (NM_001407946.1, NM_001407947.1, NM_001407948.1 and 37 more transcripts); c.322T>C, p.Tyr108His (NM_001407954.1, NM_001407955.1, NM_001407956.1 and 18 more transcripts); c.154T>C, p.Tyr52His (NM_001407959.1, NM_001407960.1, NM_001407963.1 and 3 more transcripts); c.151T>C, p.Tyr51His (NM_001407962.1); c.391T>C, p.Tyr131His (NM_001407964.1, NM_001408462.1, NM_001408463.1 and 35 more transcripts); c.535T>C, p.Tyr179His (NM_001407968.1, NM_001407969.1, NM_001407970.1 and 97 more transcripts); c.532T>C, p.Tyr178His (NM_001407972.1, NM_001407984.1, NM_001407985.1 and 65 more transcripts); and 4 more; short protein forms Y179H, Y132H, Y131H, Y152H, Y51H, Y108H, Y134H, Y176H.
Identifiers: ClinVar variation 141458 (VCV000141458.35), dbSNP rs587781761, ClinGen allele CA003526.

ClinVar aggregate classification (germline): Uncertain significance. Review status: criteria provided, multiple submitters, no conflicts (2 of 4 stars). 11 submissions from 11 submitters: Uncertain significance (9). 2 of the submissions do not count toward it. Last evaluated 2026-04-17.

Conditions:
Hereditary cancer-predisposing syndrome. Also called: Tumor predisposition; Hereditary neoplastic syndrome; Hereditary Cancer Syndrome; Neoplastic Syndromes, Hereditary. Identifiers: Orphanet 140162, MedGen C0027672, MeSH D009386, MONDO:0015356.
Hereditary breast ovarian cancer syndrome. Also called: Hereditary breast and/or ovarian cancer syndrome; Breast and ovarian cancer; Hereditary breast and ovarian cancer syndrome; Hereditary breast and ovarian cancer; Hereditary breast and ovarian cancer syndrome (HBOC); BRCA1- and BRCA2-Associated Hereditary Breast and Ovarian Cancer. Identifiers: Orphanet 145, MedGen C0677776, MeSH D061325, MONDO:0003582. Disease mechanism: loss of function.
Breast-ovarian cancer, familial, susceptibility to, 1 (BROVCA1). Also called: BRCA1 Hereditary Breast and Ovarian Cancer; OVARIAN CANCER, SUSCEPTIBILITY TO. Identifiers: Orphanet 145, MedGen C2676676, MONDO:0011450, OMIM 604370. Disease mechanism: loss of function.
Malignant tumor of breast. Also called: Malignant breast neoplasm; Cancer breast. Identifiers: MedGen C0006142, MONDO:0007254. Disease mechanism: loss of function.

Allele frequency attached by ClinVar (database versions not stated): ExAC 0.00001; gnomAD 0.00001; gnomAD exomes 0.00001.

Submissions 1 to 7 of 11:

Women's Health and Genetics/Laboratory Corporation of America, LabCorp
Classification: Uncertain significance. Last evaluated: 2026-04-17. Review status: criteria provided, single submitter. Criteria: LabCorp Variant Classification Summary - May 2015. Collection method: clinical testing. Allele origin: germline.
Comment: Variant summary: BRCA1 c.535T>C (p.Tyr179His) results in a conservative amino acid change in the encoded protein sequence. Algorithms developed to predict the effect of missense changes on protein structure and function are either unavailable or do not agree on the potential impact of this missense change. The variant allele was found at a frequency of 8e-06 in 251454 control chromosomes. The available data on variant occurrences in the general population are insufficient to allow any conclusion about variant significance. c.535T>C has been observed in individuals affected with breast cancer or undergoing BRCA1/2 testing for a high risk of BRCA-related cancers based on family history, but without strong evidence for causality (e.g. Judkins_2005, Rizzolo_2019, Bisgin_2022, Corso_2024). These reports do not provide unequivocal conclusions about association of the variant with Hereditary Breast And Ovarian Cancer Syndrome. To our knowledge, no experimental evidence demonstrating an impact on protein function has been reported. The following publications have been ascertained in the context of this evaluation (PMID: 35753294, 38652475, 30613976, 16267036). ClinVar contains an entry for this variant (Variation ID: 141458). Based on the evidence outlined above, the variant was classified as uncertain significance.

Labcorp Genetics (formerly Invitae), Labcorp
Classification: Uncertain significance for Hereditary breast ovarian cancer syndrome. Last evaluated: 2025-12-22. Review status: criteria provided, single submitter. Criteria: Invitae Variant Classification Sherloc (09022015). Collection method: clinical testing. Allele origin: germline.
Comment: This sequence change replaces tyrosine, which is neutral and polar, with histidine, which is basic and polar, at codon 179 of the BRCA1 protein (p.Tyr179His). This variant is present in population databases (rs587781761, gnomAD 0.002%). This missense change has been observed in individual(s) with a high risk for breast and ovarian cancer and/or breast cancer (PMID: 16267036, 30613976). ClinVar contains an entry for this variant (Variation ID: 141458). Invitae Evidence Modeling of protein sequence and biophysical properties (such as structural, functional, and spatial information, amino acid conservation, physicochemical variation, residue mobility, and thermodynamic stability) indicates that this missense variant is expected to disrupt BRCA1 protein function with a positive predictive value of 80%. In summary, the available evidence is currently insufficient to determine the role of this variant in disease. Therefore, it has been classified as a Variant of Uncertain Significance.

Ambry Genetics
Classification: Uncertain significance for Hereditary cancer-predisposing syndrome. Last evaluated: 2025-12-04. Review status: criteria provided, single submitter. Criteria: Ambry Variant Classification Scheme 2023. Collection method: clinical testing. Allele origin: germline.
Comment: The p.Y179H variant (also known as c.535T>C), located in coding exon 6 of the BRCA1 gene, results from a T to C substitution at nucleotide position 535. The tyrosine at codon 179 is replaced by histidine, an amino acid with similar properties. This alteration has been identified in multiple individuals diagnosed with breast cancer (Rizzolo P et al. Int J Cancer, 2019 Jul;145:390-400; Boga I et al. Eur J Breast Health, 2023 Jul;19:235-252). This amino acid position is highly conserved in available vertebrate species. In addition, this alteration is predicted to be deleterious by in silico analysis. Since supporting evidence is limited at this time, the clinical significance of this alteration remains unclear.

Quest Diagnostics Nichols Institute San Juan Capistrano
Classification: Uncertain significance. Last evaluated: 2024-04-09. Review status: criteria provided, single submitter. Criteria: Quest Diagnostics criteria. Collection method: clinical testing. Allele origin: unknown.
Comment: It has also been identified in a reportedly healthy individual (PMID: 33471991 (2021), see also LOVD). This variant has also been characterized as a likely benign variant in a multifactorial likelihood study (PMID: 31131967 (2019)). The frequency of this variant in the general population, 0.000008 (2/251454 chromosomes (Genome Aggregation Database)), is uninformative in the assessment of its pathogenicity. Analysis of this variant using bioinformatics tools for the prediction of the effect of amino acid changes on protein structure and function yielded conflicting predictions that this variant is benign or damaging. Based on the available information, we are unable to determine the clinical significance of this variant.

Baylor Genetics
Classification: Uncertain significance for Breast-ovarian cancer, familial, susceptibility to, 1. Last evaluated: 2024-01-17. Review status: criteria provided, single submitter. Criteria: ACMG Guidelines, 2015. Collection method: clinical testing. Allele origin: unknown.

All of Us Research Program, National Institutes of Health
Classification: Uncertain significance for Breast-ovarian cancer, familial, susceptibility to, 1. Last evaluated: 2023-11-30. Review status: criteria provided, single submitter. Criteria: ACMG Guidelines, 2015. Collection method: clinical testing. Allele origin: germline. Inheritance: Autosomal dominant inheritance. Observed: 3 variant alleles, 3 heterozygotes.
Comment: This missense variant replaces tyrosine with histidine at codon 179 of the BRCA1 protein. Computational prediction is inconclusive regarding the impact of this variant on protein structure and function (internally defined REVEL score threshold 0.5 < inconclusive < 0.7, PMID: 27666373). To our knowledge, functional studies have not been reported for this variant. This variant has been reported in a breast cancer case-control meta-analysis in 1/53461 unaffected individuals and absent in 60466 cases (PMID: 33471991; Leiden Open Variation Database DB-ID BRCA1_006563) and among individuals who underwent BRCA1 mutation screening (PMID: 16267036). This variant also has been reported to have a tumor pathology likelihood ratio for pathogenicity of 0.2938 (PMID: 31131967). This variant has been identified in 2/251454 chromosomes in the general population by the Genome Aggregation Database (gnomAD). The available evidence is insufficient to determine the role of this variant in disease conclusively. Therefore, this variant is classified as a Variant of Uncertain Significance.

This study involves interpretation of variants in research participants for the purpose of population health screening. Participant phenotype was not available at the time of variant classification. Additional details can be found in publication PMID: 35346344, PMCID: PMC8962531

GeneDx
Classification: Uncertain significance. Last evaluated: 2023-08-08. Review status: criteria provided, single submitter. Criteria: GeneDx Variant Classification Process June 2021. Collection method: clinical testing. Allele origin: germline. Affected: yes.
Comment: In silico analysis supports that this missense variant has a deleterious effect on protein structure/function; Not observed at significant frequency in large population cohorts (gnomAD); Also known as 654T>C; This variant is associated with the following publications: (PMID: 26295337, 29884841, 32377563, 20215511, 9788437, 30613976, 31853058, 16267036, 31131967)